The following is an entry in ClinVar:

NC_012920.1(MT-CO1):m.6072A>G

Gene: MT-CO1 (mitochondrially encoded cytochrome c oxidase I; plus strand).
Variant type: single nucleotide variant.
Genome position: chrM-6072-A-G.
Identifiers: ClinVar variation 692615 (VCV000692615.1), dbSNP rs1556423078, ClinGen allele CA414781533.

ClinVar aggregate classification (germline): Uncertain significance (1 of 4 stars; one submission).

Conditions:
Leigh syndrome (NULS). Also called: Leigh's necrotizing encephalopathy; Leigh's disease; Leigh Syndrome (mtDNA deletion); Leigh Disease; Subacute necrotizing encephalopathy; Necrotizing encephalopathy infantile subacute of Leigh. Identifiers: Orphanet 506, MedGen C2931891, MONDO:0009723, OMIM 256000.

Submission:

Wong Mito Lab, Molecular and Human Genetics, Baylor College of Medicine
Classification: Uncertain significance for Leigh syndrome. Last evaluated: 2019-10-17. Review status: criteria provided, single submitter. Criteria: Modified ACMG Guidelines (Unpublished). Collection method: clinical testing. Allele origin: germline.
Comment: The NC_012920.1:m.6072A>G (YP_003024028.1:p.Ile57Val) variant in MTCO1 gene is interpretated to be a Uncertain Significance variant based on the modified ACMG guidelines (unpublished). This variant meets the following evidence codes: BP4, BP6, PP7